The following is an entry in ClinVar:

NM_002180.3(IGHMBP2):c.1917del (p.Phe640fs)

Gene: IGHMBP2 (immunoglobulin mu DNA binding protein 2; plus strand). Cytogenetic location: 11q13.3.
Variant type: Deletion.
Coding change: c.1917del on transcript NM_002180.3 (MANE Select); coding-DNA position 1917, one base deleted (C; older notation c.1917delC).
Protein change: p.Phe640fs; shifts the reading frame from phenylalanine 640.
Molecular consequence: frameshift variant.
Genome position (GRCh38, 1-based): chr11:68,936,397, C deleted; the last of 2 consecutive C bases (chr11:68,936,396-68,936,397); deleting either gives the same sequence. VCF-style (leftmost placement, unchanged base first): chr11-68936395-GC-G. GRCh37 (hg19) VCF-style: chr11-68703863-GC-G.
Other names: short protein forms F640fs.
Identifiers: ClinVar variation 2498526 (VCV002498526.28), dbSNP rs777148718, ClinGen allele CA6153805.

ClinVar aggregate classification (germline): Pathogenic (1 of 4 stars; one submission).

Submission:

CeGaT Center for Human Genetics Tuebingen
Classification: Pathogenic. Last evaluated: 2023-02-01. Review status: criteria provided, single submitter. Criteria: CeGaT Center For Human Genetics Tuebingen Variant Classification Criteria Version 2. Collection method: clinical testing. Allele origin: germline. Affected: yes. Observed: 1 variant allele.
Comment: IGHMBP2: PVS1, PM2